The following is an entry in ClinVar:

NM_004006.3(DMD):c.187-15T>A

Gene: DMD (dystrophin; minus strand). Cytogenetic location: Xp21.1.
Variant type: single nucleotide variant.
Coding change: c.187-15T>A on transcript NM_004006.3 (MANE Select); 15 bases into the intron before coding-DNA position 187, T replaced by A.
Molecular consequence: intron variant.
Genome position (GRCh38, 1-based): chrX:32,844,875, A>T on the plus strand (T>A on the coding strand, the complement: DMD is on the minus strand). VCF-style: chrX-32844875-A-T. GRCh37 (hg19) VCF-style: chrX-32862992-A-T.
Other names: c.163-15T>A (NM_000109.4); c.175-15T>A (NM_004009.3); c.-183-15T>A (NM_004010.3).
Identifiers: ClinVar variation 678185 (VCV000678185.1), dbSNP rs1438847492, ClinGen allele CA641228375.

ClinVar aggregate classification (germline): Likely benign (1 of 4 stars; one submission).

Allele frequency attached by ClinVar (database versions not stated): gnomAD exomes 0.00001.
gnomAD v4.1: 1 of 1,187,004 alleles (0.000084%); highest among the groups gnomAD compares: Non-Finnish European, 0.00011%; no homozygotes.

Submission:

GeneDx
Classification: Likely benign. Last evaluated: 2018-04-05. Review status: criteria provided, single submitter. Criteria: GeneDx Variant Classification (06012015). Collection method: clinical testing. Allele origin: germline. Affected: yes.
Comment: This variant is considered likely benign or benign based on one or more of the following criteria: it is a conservative change, it occurs at a poorly conserved position in the protein, it is predicted to be benign by multiple in silico algorithms, and/or has population frequency not consistent with disease.